The following is an entry in ClinVar:

NM_007194.4(CHEK2):c.460_488dup (p.His163delinsGlnThrLeuThrLeuHisThrTer)

Gene: CHEK2 (checkpoint kinase 2; minus strand). Cytogenetic location: 22q12.1.
Variant type: Duplication.
Coding change: c.460_488dup on transcript NM_007194.4 (MANE Select); coding-DNA positions 460 to 488, 29 bases duplicated (AACTCTTACATTGCATACATAGAAGATCA).
Protein change: p.His163delinsGlnThrLeuThrLeuHisThrTer.
Molecular consequence: nonsense. On other transcripts: 5 prime UTR variant (2), intron variant (1).
Genome position (GRCh38, 1-based): chr22:28,725,081-28,725,109, TGATCTTCTATGTATGCAATGTAAGAGTT duplicated on the plus strand (AACTCTTACATTGCATACATAGAAGATCA on the coding strand, the reverse complement: CHEK2 is on the minus strand); duplicating any 29 consecutive bases within chr22:28,725,081-28,725,110 gives the same sequence; the c. name uses the placement nearest the transcript's 3' end. VCF-style (leftmost placement, unchanged base first): chr22-28725080-G-GTGATCTTCTATGTATGCAATGTAAGAGTT. GRCh37 (hg19) VCF-style: chr22-29121068-G-GTGATCTTCTATGTATGCAATGTAAGAGTT.
Other names: c.589_617dup, p.His206delinsGlnThrLeuThrLeuHisThrTer (NM_001005735.3, NM_001438294.1); c.-318_-290dup (NM_001257387.3); c.-204_-176dup (NM_001437942.1); c.553_581dup, p.His194delinsGlnThrLeuThrLeuHisThrTer (NM_001438293.1, NM_001438295.1); c.460_488dup, p.His163delinsGlnThrLeuThrLeuHisThrTer (NM_145862.3); c.444+134_445-158dup (NM_001349956.3).
Identifiers: ClinVar variation 1452340 (VCV001452340.7), dbSNP rs2146060468, ClinGen allele CA2573157997.

ClinVar aggregate classification (germline): Pathogenic (1 of 4 stars; one submission).

Conditions:
Familial cancer of breast. Also called: Hereditary breast cancer; hereditary breast carcinoma; BREAST CANCER, FAMILIAL. Identifiers: Orphanet 227535, MedGen C0346153, MONDO:0016419, OMIM 114480. Disease mechanism: loss of function.

Submission:

Labcorp Genetics (formerly Invitae), Labcorp
Classification: Pathogenic for Familial cancer of breast. Last evaluated: 2020-12-04. Review status: criteria provided, single submitter. Criteria: Invitae Variant Classification Sherloc (09022015). Collection method: clinical testing. Allele origin: germline.
Comment: This variant has not been reported in the literature in individuals with CHEK2-related conditions. For these reasons, this variant has been classified as Pathogenic. Algorithms developed to predict the effect of sequence changes on RNA splicing suggest that this variant may create or strengthen a splice site, but this prediction has not been confirmed by published transcriptional studies. This variant is not present in population databases (ExAC no frequency). This sequence change creates a premature translational stop signal (p.His163Glnfs*8) in the CHEK2 gene. It is expected to result in an absent or disrupted protein product. Loss-of-function variants in CHEK2 are known to be pathogenic (PMID: 21876083, 24713400).

Literature cited by the submitters: PubMed 21876083; PubMed 24713400.